The following is an entry in ClinVar:

ClinVar aggregate classification (germline): Uncertain significance. Review status: criteria provided, multiple submitters, no conflicts (2 of 4 stars). 2 submissions from 2 submitters: Uncertain significance (2). Last evaluated 2025-06-12.

Conditions:
Inborn genetic diseases. Identifiers: MedGen C0950123, MeSH D030342.
Tenorio syndrome (TNORS). Also called: OVERGROWTH, MACROCEPHALY, AND INTELLECTUAL DISABILITY SYNDROME. Identifiers: MedGen C4015710, MONDO:0014553, OMIM 616260.

Allele frequency attached by ClinVar (database versions not stated): gnomAD exomes 0.00001; TOPMed 0.00006; gnomAD 0.00008; ExAC 0.00003.
gnomAD v4.1: 22 of 1,612,932 alleles (0.0014%); highest among the groups gnomAD compares: African/African-American, 0.024%; no homozygotes.

Submissions (2):

Labcorp Genetics (formerly Invitae), Labcorp
Classification: Uncertain significance for Tenorio syndrome. Last evaluated: 2025-06-12. Review status: criteria provided, single submitter. Criteria: Invitae Variant Classification Sherloc (09022015). Collection method: clinical testing. Allele origin: germline.
Comment: This sequence change replaces proline, which is neutral and non-polar, with threonine, which is neutral and polar, at codon 128 of the RNF125 protein (p.Pro128Thr). This variant is present in population databases (rs757375525, gnomAD 0.02%). This variant has not been reported in the literature in individuals affected with RNF125-related conditions. ClinVar contains an entry for this variant (Variation ID: 2741332). An algorithm developed to predict the effect of missense changes on protein structure and function (PolyPhen-2) suggests that this variant is likely to be disruptive. In summary, the available evidence is currently insufficient to determine the role of this variant in disease. Therefore, it has been classified as a Variant of Uncertain Significance.

Ambry Genetics
Classification: Uncertain significance for Inborn genetic diseases. Last evaluated: 2025-05-02. Review status: criteria provided, single submitter. Criteria: Ambry Variant Classification Scheme 2023. Collection method: clinical testing. Allele origin: germline.

NM_017831.4(RNF125):c.382C>A (p.Pro128Thr)

Gene: RNF125 (ring finger protein 125; plus strand). Cytogenetic location: 18q12.1.
Variant type: single nucleotide variant.
Coding change: c.382C>A on transcript NM_017831.4 (MANE Select); coding-DNA position 382, C replaced by A.
Protein change: p.Pro128Thr; replaces proline 128 with threonine.
Molecular consequence: missense variant.
Genome position (GRCh38, 1-based): chr18:32,042,242, C>A. VCF-style: chr18-32042242-C-A. GRCh37 (hg19) VCF-style: chr18-29622205-C-A.
Other names: c.382C>A (NM_017831.3); short protein forms P128T.
Identifiers: ClinVar variation 2741332 (VCV002741332.4), dbSNP rs757375525, ClinGen allele CA8930477.